The following is an entry in ClinVar:

ClinVar aggregate classification (germline): Pathogenic (1 of 4 stars; one submission).

Conditions:
Ataxia-telangiectasia syndrome (AT). Also called: Ataxia-telangiectasia, complementation group D; AT, COMPLEMENTATION GROUP C; ATAXIA-TELANGIECTASIA, COMPLEMENTATION GROUP A; ATAXIA-TELANGIECTASIA, FRESNO VARIANT; Ataxia-telangiectasia; Ataxia-telangiectasia, complementation group E. Identifiers: Orphanet 100, MedGen C0004135, MONDO:0008840, OMIM 208900.

Submission:

Labcorp Genetics (formerly Invitae), Labcorp
Classification: Pathogenic for Ataxia-telangiectasia syndrome. Last evaluated: 2024-07-09. Review status: criteria provided, single submitter. Criteria: Invitae Variant Classification Sherloc (09022015). Collection method: clinical testing. Allele origin: germline.
Comment: This sequence change creates a premature translational stop signal (p.Glu2936Lysfs*2) in the ATM gene. It is expected to result in an absent or disrupted protein product. Loss-of-function variants in ATM are known to be pathogenic (PMID: 23807571, 25614872). This variant is not present in population databases (gnomAD no frequency). This variant has not been reported in the literature in individuals affected with ATM-related conditions. RNA analysis provides insufficient evidence to determine the effect of this variant on ATM splicing (Invitae). For these reasons, this variant has been classified as Pathogenic.

Literature cited by the submitters: PubMed 23807571; PubMed 25614872.

NM_000051.4(ATM):c.8806del (p.Glu2936fs)

Genes: C11orf65 (chromosome 11 open reading frame 65; minus strand), ATM (ATM serine/threonine kinase; plus strand). Cytogenetic location: 11q22.3.
Variant type: Deletion.
Coding change: c.8806del on transcript NM_000051.4 (MANE Select); coding-DNA position 8806, one base deleted (G; older notation c.8806delG).
Protein change: p.Glu2936fs; shifts the reading frame from glutamic acid 2936.
Molecular consequence: frameshift variant. On other transcripts: intron variant (2).
Genome position (GRCh38, 1-based): chr11:108,354,830, G deleted; the last of 2 consecutive G bases (chr11:108,354,829-108,354,830); deleting either gives the same sequence. VCF-style (leftmost placement, unchanged base first): chr11-108354828-TG-T. GRCh37 (hg19) VCF-style: chr11-108225555-TG-T.
Other names: c.8806del, p.Glu2936fs (NM_001351834.2); c.640+31091del (NM_001330368.2); c.695-19537del (NM_001351110.2); short protein forms E2936fs.
Identifiers: ClinVar variation 3659067 (VCV003659067.2).
Genomic context (GRCh38, chr11:108,354,828, plus strand): 5'-TGGTGTGTAACAAAATCCGTATTTATAATGTGTTTGACTCTAGATGCTGTGAGAAAACCA[TG>T]GAAGTGATGAGAAACTCTCAGGAAACTCTGTTAACCATTGTAGAGGTAAAGTATTTTATA-3'